The following is an entry in ClinVar:

ClinVar aggregate classification (germline): Uncertain significance (1 of 4 stars; one submission).

Submission:

Labcorp Genetics (formerly Invitae), Labcorp
Classification: Uncertain significance. Last evaluated: 2026-01-05. Review status: criteria provided, single submitter. Criteria: Invitae Variant Classification Sherloc (09022015). Collection method: clinical testing. Allele origin: germline.
Comment: This sequence change replaces histidine, which is basic and polar, with glutamine, which is neutral and polar, at codon 1021 of the HIVEP2 protein (p.His1021Gln). This variant is not present in population databases (gnomAD no frequency). This variant has not been reported in the literature in individuals affected with HIVEP2-related conditions. Invitae Evidence Modeling of protein sequence and biophysical properties (such as structural, functional, and spatial information, amino acid conservation, physicochemical variation, residue mobility, and thermodynamic stability) indicates that this missense variant is not expected to disrupt HIVEP2 protein function with a negative predictive value of 80%. In summary, the available evidence is currently insufficient to determine the role of this variant in disease. Therefore, it has been classified as a Variant of Uncertain Significance.

NM_006734.4(HIVEP2):c.3063T>A (p.His1021Gln)

Gene: HIVEP2 (HIVEP zinc finger 2; minus strand). Cytogenetic location: 6q24.2.
Variant type: single nucleotide variant.
Coding change: c.3063T>A on transcript NM_006734.4 (MANE Select); coding-DNA position 3063, T replaced by A.
Protein change: p.His1021Gln; replaces histidine 1021 with glutamine.
Molecular consequence: missense variant.
Genome position (GRCh38, 1-based): chr6:142,771,676, A>T on the plus strand (T>A on the coding strand, the complement: HIVEP2 is on the minus strand). VCF-style: chr6-142771676-A-T. GRCh37 (hg19) VCF-style: chr6-143092813-A-T.
Other names: c.3063T>A, p.His1021Gln (NM_001438449.1, NM_001438450.1, NM_001438451.1); short protein forms H1021Q.
Identifiers: ClinVar variation 4741590 (VCV004741590.1).